The following is an entry in ClinVar:

NM_001105580.3(GABRR3):c.615T>A (p.Tyr205Ter)

Gene: GABRR3 (gamma-aminobutyric acid type A receptor subunit rho3; minus strand). Cytogenetic location: 3q11.2.
Variant type: single nucleotide variant.
Coding change: c.615T>A on transcript NM_001105580.3 (MANE Select); coding-DNA position 615, T replaced by A.
Protein change: p.Tyr205Ter; replaces tyrosine 205 with a stop codon.
Molecular consequence: nonsense.
Genome position (GRCh38, 1-based): chr3:98,007,903, A>T on the plus strand (T>A on the coding strand, the complement: GABRR3 is on the minus strand). VCF-style: chr3-98007903-A-T. GRCh37 (hg19) VCF-style: chr3-97726747-T-T.
Other names: NC_000003.11:g.97726747=; NC_000003.12:g.98007903A>T; NM_001105580.2:c.615T>A; NM_001105580.3:c.615T>A; NP_001099050.1:p.Tyr205Ter; short protein forms Y205*.
Identifiers: ClinVar variation 3338473 (VCV003338473.2), dbSNP rs832032.

ClinVar aggregate classification (germline): Likely risk allele (0 of 4 stars; one submission).

Conditions:
Restless legs. Also called: Restless legs syndrome. Identifiers: MedGen C0035258, MeSH D012148, MONDO:0005391, HP:0012452.

gnomAD v4.1: 308,714 of 1,554,836 alleles (20%); highest among the groups gnomAD compares: African/African-American, 28%; 32,408 homozygotes.

Submission:

Eleanor M. Freitas Health Laboratory
Classification: Likely risk allele for Restless legs. Review status: no assertion criteria provided. Collection method: research. Allele origin: germline. Inheritance: Autosomal recessive inheritance. Affected: yes.
Comment: The variant rs832032 (Allele T) in women but not men, was found to be in statistically significant association (P-value: 0.002; corrected p-value: 0.014; 95% CI) with an increased risk (OR :1.80 ;CI 1.21–2.67; 95% CI: ) of Restless Leg Syndrome (RLS),. This association was observed in a robust study that compared healthy controls (n = 205) vs. affected patients with RLS (n = 230). The study was underpinned by rigorous inclusion & exclusion criteria, as well as, meticulous and comprehensive data analysis methods and data analysis. There is sufficient statistical power in the overall study and in the T-allele gender-specific sub-group. In our Power analysis conducted specifically for this sub-group, we determined an effect size of 0.210, with an alpha error probability of 0.05 and a power (1-β) of 0.80, using a chi-square test for goodness-of-fit (contingency tables). The required sample size for the sub-group was calculated to be 291 and the actual power obtained was 0.8002. This indicates the sub-group analysis was sufficiently powered, alongside an adequate sample size and statistically significant association which supports the classification of this variant as a "Likely Risk Allele" for RLS. Nevertheless, further well-powered, high-quality genotype association studies, with large or sufficient population sizes and better diversification of ethnic groups for full population representation, would be needed to confirm the risk association as definitive, or as an "established risk allele", as opposed to "likely risk allele".

Literature cited by the submitters: DOI 10.1038/s41397-018-0023-7.